The following is an entry in ClinVar:

ClinVar aggregate classification (germline): Likely benign. Review status: criteria provided, multiple submitters, no conflicts (2 of 4 stars). 2 submissions from 2 submitters: Likely benign (2). Last evaluated 2026-01-28.

Conditions:
Succinate-semialdehyde dehydrogenase deficiency (SSADHD). Also called: GABA METABOLIC DEFECT; SSADH DEFICIENCY; 4-HYDROXYBUTYRIC ACIDURIA; Succinic Semialdehyde Dehydrogenase Deficiency. Identifiers: Orphanet 22, MedGen C0268631, MONDO:0010083, OMIM 271980.

Allele frequency attached by ClinVar (database versions not stated): gnomAD exomes 0.00004 and 0.00022; gnomAD 0.00014 and 0.00016; TOPMed 0.00024; ExAC 0.00042.
gnomAD v4.1: 76 of 1,349,426 alleles (0.0056%); highest among the groups gnomAD compares: East Asian, 0.15%; no homozygotes.

Submissions (2):

Labcorp Genetics (formerly Invitae), Labcorp
Classification: Likely benign for Succinate-semialdehyde dehydrogenase deficiency. Last evaluated: 2026-01-28. Review status: criteria provided, single submitter. Criteria: Invitae Variant Classification Sherloc (09022015). Collection method: clinical testing. Allele origin: germline.

Illumina Laboratory Services, Illumina
Classification: Likely benign for Succinate-semialdehyde dehydrogenase deficiency. Last evaluated: 2017-10-31. Review status: criteria provided, single submitter. Criteria: ICSL Variant Classification Criteria 13 December 2019. Collection method: clinical testing. Allele origin: germline.
Comment: This variant was observed as part of a predisposition screen in an ostensibly healthy population. A literature search was performed for the gene, cDNA change, and amino acid change (where applicable). No publications were found based on this search. Allele frequency data from public databases allowed determination this variant is unlikely to cause disease. Therefore, this variant is classified as likely benign.

NM_001080.3(ALDH5A1):c.62G>A (p.Gly21Asp)

Genes: ALDH5A1 (aldehyde dehydrogenase 5 family member A1; plus strand), GPLD1 (glycosylphosphatidylinositol specific phospholipase D1; minus strand), LOC129995978 (ATAC-STARR-seq lymphoblastoid silent region 16989; plus strand). Cytogenetic location: 6p22.3.
Variant type: single nucleotide variant.
Coding change: c.62G>A on transcript NM_001080.3 (MANE Select); coding-DNA position 62, G replaced by A.
Protein change: p.Gly21Asp; replaces glycine 21 with aspartic acid.
Molecular consequence: missense variant.
Genome position (GRCh38, 1-based): chr6:24,495,058, G>A. VCF-style: chr6-24495058-G-A. GRCh37 (hg19) VCF-style: chr6-24495286-G-A.
Other names: c.62G>A, p.Gly21Asp (NM_001368954.1, NM_170740.1); short protein forms G21D.
Identifiers: ClinVar variation 459991 (VCV000459991.14), dbSNP rs371923295, ClinGen allele CA3656565.